The following is an entry in ClinVar:

ClinVar aggregate classification (germline): Conflicting classifications of pathogenicity. Review status: criteria provided, conflicting classifications (1 of 4 stars). 4 submissions from 4 submitters: Uncertain significance (3); Likely benign (1). Last evaluated 2026-10-01.

Conditions:
Hereditary cancer-predisposing syndrome. Also called: Neoplastic Syndromes, Hereditary; Hereditary neoplastic syndrome; Hereditary Cancer Syndrome; Tumor predisposition. Identifiers: Orphanet 140162, MedGen C0027672, MeSH D009386, MONDO:0015356.
Colorectal cancer, susceptibility to, 12 (CRCS12). Also called: COLORECTAL CANCER, SUSCEPTIBILITY TO, ON CHROMOSOME 12q24. Identifiers: Orphanet 220460, MedGen C3554460, MONDO:0014038, OMIM 615083.

Allele frequency attached by ClinVar (database versions not stated): gnomAD exomes below 0.00001; gnomAD 0.00002; TOPMed 0.00002; ESP Exome Variant Server 0.00008.
gnomAD v4.1: 4 of 1,613,872 alleles (0.00025%); highest among the groups gnomAD compares: African/African-American, 0.0053%; no homozygotes.

Submissions (4):

St. Jude Molecular Pathology, St. Jude Children's Research Hospital
Classification: Uncertain significance for Colorectal cancer, susceptibility to, 12. Last evaluated: 2026-10-01. Review status: criteria provided, single submitter. Criteria: St. Jude Assertion Criteria 2020. Collection method: clinical testing. Allele origin: germline.
Comment: The POLE c.5843A>G p.(Asp1948Gly) missense change has a maximum subpopulation frequency of 0.01% in gnomAD v2.1.1. The in silico tool REVEL predicts a benign effect on protein function, but to our knowledge this prediction has not been confirmed by f unctional studies. To our knowledge, this variant has not been reported in the literature in individuals with POLE-related disease. In summary, the evidence currently available is insufficient to determine the clinical significance of this variant. It has therefore been classified as of uncertain significance.

Ambry Genetics
Classification: Likely benign for Hereditary cancer-predisposing syndrome. Last evaluated: 2026-02-11. Review status: criteria provided, single submitter. Criteria: Ambry Variant Classification Scheme 2023. Collection method: clinical testing. Allele origin: germline.

Labcorp Genetics (formerly Invitae), Labcorp
Classification: Uncertain significance. Last evaluated: 2026-01-25. Review status: criteria provided, single submitter. Criteria: Invitae Variant Classification Sherloc (09022015). Collection method: clinical testing. Allele origin: germline.
Comment: This sequence change replaces aspartic acid, which is acidic and polar, with glycine, which is neutral and non-polar, at codon 1948 of the POLE protein (p.Asp1948Gly). This variant is present in population databases (rs372504703, gnomAD 0.01%). This variant has not been reported in the literature in individuals affected with POLE-related conditions. ClinVar contains an entry for this variant (Variation ID: 654377). An algorithm developed to predict the effect of missense changes on protein structure and function outputs the following: PolyPhen-2: "Benign". The glycine amino acid residue is found in multiple mammalian species, which suggests that this missense change does not adversely affect protein function. In summary, the available evidence is currently insufficient to determine the role of this variant in disease. Therefore, it has been classified as a Variant of Uncertain Significance.

Mendelics
Classification: Uncertain significance for Colorectal cancer, susceptibility to, 12. Last evaluated: 2019-05-28. Review status: criteria provided, single submitter. Criteria: Mendelics Assertion Criteria 2017. Collection method: clinical testing. Allele origin: unknown.

NM_006231.4(POLE):c.5843A>G (p.Asp1948Gly)

Gene: POLE (DNA polymerase epsilon, catalytic subunit; minus strand). Cytogenetic location: 12q24.33.
Variant type: single nucleotide variant.
Coding change: c.5843A>G on transcript NM_006231.4 (MANE Select); coding-DNA position 5843, A replaced by G.
Protein change: p.Asp1948Gly; replaces aspartic acid 1948 with glycine.
Molecular consequence: missense variant.
Genome position (GRCh38, 1-based): chr12:132,634,347, T>C on the plus strand (A>G on the coding strand, the complement: POLE is on the minus strand). VCF-style: chr12-132634347-T-C. GRCh37 (hg19) VCF-style: chr12-133210933-T-C.
Other names: short protein forms D1948G.
Identifiers: ClinVar variation 654377 (VCV000654377.12), dbSNP rs372504703, ClinGen allele CA246295475.